The following is an entry in ClinVar:

ClinVar aggregate classification (germline): Pathogenic/Likely pathogenic. Review status: criteria provided, multiple submitters, no conflicts (2 of 4 stars). 7 submissions from 7 submitters: Pathogenic (6); Likely pathogenic (1). Last evaluated 2026-01-04.

Conditions:
ETFA-related disorders.
Glutaric acidemia type 2A.
Multiple acyl-CoA dehydrogenase deficiency (MADD). Also called: Glutaric acidemia type II; GA 2; Glutaric aciduria, type 2; Glutaric Acidemia type 2; ETHYLMALONIC-ADIPICACIDURIA; GA II. Identifiers: Orphanet 26791, MedGen C0268596, MONDO:0009282, OMIM 231680.

Submissions (7):

Natera, Inc.
Classification: Pathogenic for Glutaric acidemia type 2A. Last evaluated: 2026-01-04. Review status: criteria provided, single submitter. Criteria: Natera Variant Classification Schema (03/2026). Collection method: clinical testing. Allele origin: germline.
Comment: The c.15_25dup variant in ETFA is a frameshift variant predicted to shift the reading frame beginning at codon 9 and leads to a stop codon 20 codons downstream. This variant is expected to result in nonsense mediated decay, truncation, or a dysfunctional protein product. This variant is rare in the general population with a frequency below the threshold expected for the associated phenotype(s). This variant has been observed in one or more individuals affected with the associated recessive disease, as either homozygous or compound heterozygous with a second variant (PMID: 16510302). Given the available evidence, this variant is classified as Pathogenic.

Fulgent Genetics
Classification: Pathogenic for Multiple acyl-CoA dehydrogenase deficiency. Last evaluated: 2024-05-08. Review status: criteria provided, single submitter. Criteria: ACMG Guidelines, 2015. Collection method: clinical testing. Allele origin: germline.

Baylor Genetics
Classification: Pathogenic for Multiple acyl-CoA dehydrogenase deficiency. Last evaluated: 2024-02-16. Review status: criteria provided, single submitter. Criteria: ACMG Guidelines, 2015. Collection method: clinical testing. Allele origin: unknown.

Blueprint Genetics
Classification: Likely pathogenic for ETFA-related disorders. Last evaluated: 2023-02-09. Review status: criteria provided, single submitter. Criteria: ACMG Guidelines, 2015. Collection method: clinical testing. Allele origin: germline. Affected: yes. Observed: 2 variant alleles.

Labcorp Genetics (formerly Invitae), Labcorp
Classification: Pathogenic for Multiple acyl-CoA dehydrogenase deficiency. Last evaluated: 2022-01-12. Review status: criteria provided, single submitter. Criteria: Invitae Variant Classification Sherloc (09022015). Collection method: clinical testing. Allele origin: germline.
Comment: This premature translational stop signal has been observed in individual(s) with multiple acyl-CoA dehydrogenase deficiency (PMID: 16510302). This variant is also known as c.12_22dup. ClinVar contains an entry for this variant (Variation ID: 872253). For these reasons, this variant has been classified as Pathogenic. The frequency data for this variant in the population databases is considered unreliable, as metrics indicate poor data quality at this position in the gnomAD database. This sequence change creates a premature translational stop signal (p.Gln9Argfs*20) in the ETFA gene. It is expected to result in an absent or disrupted protein product. Loss-of-function variants in ETFA are known to be pathogenic (PMID: 16510302, 23785301).

Revvity Omics, Revvity
Classification: Pathogenic for Multiple acyl-CoA dehydrogenase deficiency. Last evaluated: 2021-10-05. Review status: criteria provided, single submitter. Criteria: ACMG Guidelines, 2015. Collection method: clinical testing. Allele origin: germline.

CeGaT Center for Human Genetics Tuebingen
Classification: Pathogenic. Last evaluated: 2019-11-01. Review status: criteria provided, single submitter. Criteria: CeGaT Center For Human Genetics Tuebingen Variant Classification Criteria Version 2. Collection method: clinical testing. Allele origin: germline. Affected: yes. Observed: 3 variant alleles.

Literature cited by the submitters: PubMed 16510302 (cited by Natera, Inc. and Labcorp Genetics (formerly Invitae), Labcorp); PubMed 23785301 (cited by Labcorp Genetics (formerly Invitae), Labcorp).

NM_000126.4(ETFA):c.15_25dup (p.Gln9fs)

Gene: ETFA (electron transfer flavoprotein subunit alpha; minus strand). Cytogenetic location: 15q24.3.
Variant type: Duplication.
Coding change: c.15_25dup on transcript NM_000126.4 (MANE Select); coding-DNA positions 15 to 25, 11 bases duplicated (GGCTCCGGGGC).
Protein change: p.Gln9fs; shifts the reading frame from glutamine 9.
Molecular consequence: frameshift variant.
Genome position (GRCh38, 1-based): chr15:76,311,364-76,311,374, GCCCCGGAGCC duplicated on the plus strand (GGCTCCGGGGC on the coding strand, the reverse complement: ETFA is on the minus strand); duplicating any 11 consecutive bases within chr15:76,311,364-76,311,377 gives the same sequence; the c. name uses the placement nearest the transcript's 3' end. VCF-style (leftmost placement, unchanged base first): chr15-76311363-T-TGCCCCGGAGCC. GRCh37 (hg19) VCF-style: chr15-76603704-T-TGCCCCGGAGCC.
Other names: c.15_25dup, p.Gln9fs (NM_001127716.2); c.15_25dup (NM_000126.3); short protein forms Q9fs.
Identifiers: ClinVar variation 872253 (VCV000872253.53), dbSNP rs1384386872, ClinGen allele CA619191005.